The following is an entry in ClinVar:

NM_003482.4(KMT2D):c.13274C>T (p.Ala4425Val)

Gene: KMT2D (lysine methyltransferase 2D; minus strand). Cytogenetic location: 12q13.12.
Variant type: single nucleotide variant.
Coding change: c.13274C>T on transcript NM_003482.4 (MANE Select); coding-DNA position 13274, C replaced by T.
Protein change: p.Ala4425Val; replaces alanine 4425 with valine.
Molecular consequence: missense variant.
Genome position (GRCh38, 1-based): chr12:49,031,431, G>A on the plus strand (C>T on the coding strand, the complement: KMT2D is on the minus strand). VCF-style: chr12-49031431-G-A. GRCh37 (hg19) VCF-style: chr12-49425214-G-A.
Other names: c.13274C>T (NM_003482.3); short protein forms A4425V.
Identifiers: ClinVar variation 1373056 (VCV001373056.9), dbSNP rs752531267, ClinGen allele CA236638664.
Genomic context (GRCh38, chr12:49,031,431, plus strand): 5'-GTTCCTGGTGCCCCTATTGGCTCCCCATTGGCCTCCCTCTTCACTGACTGGGCTCCCAGG[G>A]CACATGGCTCTTCCCGAGGTTCCTGCTTGATGCTGAGTTGGGATGCCTCAGGCACCACCT-3'
Protein context (NP_003473.3, residues 4415-4435): IKQEPREEPC[Ala4425Val]LGAQSVKREA

ClinVar aggregate classification (germline): Conflicting classifications of pathogenicity. Review status: criteria provided, conflicting classifications (1 of 4 stars). 3 submissions from 3 submitters: Uncertain significance (1); Benign (1). 1 of the submissions does not count toward it. Last evaluated 2025-08-25.

Conditions:
KMT2D-related disorder. Also called: KMT2D-Related Disorders.
Kabuki syndrome. Also called: Kabuki make-up syndrome; NIIKAWA-KUROKI SYNDROME. Identifiers: Orphanet 2322, MedGen C0796004, MONDO:0016512.

Allele frequency attached by ClinVar (database versions not stated): TOPMed below 0.00001; gnomAD 0.00001; gnomAD exomes 0.00001 and 0.00003.
gnomAD v4.1: 39 of 1,613,614 alleles (0.0024%); highest among the groups gnomAD compares: Non-Finnish European, 0.0031%; no homozygotes.

Submissions (3):

Labcorp Genetics (formerly Invitae), Labcorp
Classification: Benign for Kabuki syndrome. Last evaluated: 2025-08-25. Review status: criteria provided, single submitter. Criteria: Invitae Variant Classification Sherloc (09022015). Collection method: clinical testing. Allele origin: germline.

Women's Health and Genetics/Laboratory Corporation of America, LabCorp
Classification: Uncertain significance. Last evaluated: 2024-12-10. Review status: criteria provided, single submitter. Criteria: LabCorp Variant Classification Summary - May 2015. Collection method: clinical testing. Allele origin: germline.
Comment: Variant summary: KMT2D c.13274C>T (p.Ala4425Val) results in a non-conservative amino acid change in the encoded protein sequence. Three of four in-silico tools predict a benign effect of the variant on protein function. The variant allele was found at a frequency of 8e-06 in 248784 control chromosomes (gnomAD). The available data on variant occurrences in the general population are insufficient to allow any conclusion about variant significance. To our knowledge, no occurrence of c.13274C>T in individuals affected with Kabuki Syndrome 1 and no experimental evidence demonstrating its impact on protein function have been reported. ClinVar contains an entry for this variant (Variation ID: 1373056). Based on the evidence outlined above, the variant was classified as uncertain significance.

PreventionGenetics, part of Exact Sciences
Classification: Uncertain significance for KMT2D-related condition. Last evaluated: 2024-02-06. Review status: no assertion criteria provided. Collection method: clinical testing. Allele origin: germline. Not counted in ClinVar's aggregate classification.
Comment: The KMT2D c.13274C>T variant is predicted to result in the amino acid substitution p.Ala4425Val. To our knowledge, this variant has not been reported in the literature. This variant is reported in 0.00089% of alleles in individuals of European (Non-Finnish) descent in gnomAD. At this time, the clinical significance of this variant is uncertain due to the absence of conclusive functional and genetic evidence.